The following is an entry in ClinVar:

NM_001458.5(FLNC):c.1073A>G (p.Asn358Ser)

Gene: FLNC (filamin C; plus strand). Cytogenetic location: 7q32.1.
Variant type: single nucleotide variant.
Coding change: c.1073A>G on transcript NM_001458.5 (MANE Select); coding-DNA position 1073, A replaced by G.
Protein change: p.Asn358Ser; replaces asparagine 358 with serine.
Molecular consequence: missense variant.
Genome position (GRCh38, 1-based): chr7:128,838,292, A>G. VCF-style: chr7-128838292-A-G. GRCh37 (hg19) VCF-style: chr7-128478346-A-G.
Other names: c.1073A>G, p.Asn358Ser (NM_001127487.2); short protein forms N358S.
Identifiers: ClinVar variation 841813 (VCV000841813.11), dbSNP rs766196208, ClinGen allele CA4474226.

ClinVar aggregate classification (germline): Conflicting classifications of pathogenicity. Review status: criteria provided, conflicting classifications (1 of 4 stars). 2 submissions from 2 submitters: Uncertain significance (1); Likely benign (1). Last evaluated 2025-08-16.

Conditions:
Myofibrillar myopathy 5. Also called: Filaminopathy (type); FILAMINOPATHY, AUTOSOMAL DOMINANT. Identifiers: Orphanet 171445, MedGen C1836050, MONDO:0012289, OMIM 609524.
Distal myopathy with posterior leg and anterior hand involvement. Also called: WILLIAMS DISTAL MYOPATHY. Identifiers: Orphanet 63273, MedGen C3279722, MONDO:0013550, OMIM 614065.
Hypertrophic cardiomyopathy 26. Also called: Cardiomyopathy, familial hypertrophic, 26. Identifiers: Orphanet 75249, MedGen C4310749, MONDO:0014883, OMIM 617047.
Cardiovascular phenotype. Identifiers: MedGen CN230736.

Allele frequency attached by ClinVar (database versions not stated): gnomAD 0.00001; TOPMed 0.00002; gnomAD exomes 0.00003 and 0.00006; ExAC 0.00007.

Submissions (2):

Labcorp Genetics (formerly Invitae), Labcorp
Classification: Likely benign for Distal myopathy with posterior leg and anterior hand involvement; Myofibrillar myopathy 5; Hypertrophic cardiomyopathy 26. Last evaluated: 2025-08-16. Review status: criteria provided, single submitter. Criteria: Invitae Variant Classification Sherloc (09022015). Collection method: clinical testing. Allele origin: germline.

Ambry Genetics
Classification: Uncertain significance for Cardiovascular phenotype. Last evaluated: 2024-01-01. Review status: criteria provided, single submitter. Criteria: Ambry Variant Classification Scheme 2023. Collection method: clinical testing. Allele origin: germline.
Comment: The p.N358S variant (also known as c.1073A>G), located in coding exon 7 of the FLNC gene, results from an A to G substitution at nucleotide position 1073. The asparagine at codon 358 is replaced by serine, an amino acid with highly similar properties. This amino acid position is conserved. In addition, this alteration is predicted to be tolerated by in silico analysis. Since supporting evidence is limited at this time, the clinical significance of this alteration remains unclear.